The following continues an entry in ClinVar:

NM_000051.4(ATM):c.6820G>A (p.Ala2274Thr)

ClinVar aggregate classification (germline): Conflicting classifications of pathogenicity. Pathogenic (1); Uncertain significance (10); Likely benign (9).

Submissions 13 to 20 of 20:

Athena Diagnostics
Classification: Uncertain significance. Last evaluated: 2023-01-16. Review status: criteria provided, single submitter. Criteria: Athena Diagnostics Criteria. Collection method: clinical testing. Allele origin: unknown.
Comment: Available data are insufficient to determine the clinical significance of the variant at this time. The frequency of this variant in the general population is uninformative in assessment of its pathogenicity. Assessment of experimental evidence regarding the effect of this variant on protein function suggests it has no effect relevant to disease. (PMID: 19431188, 11805335)

Practice for Gait Abnormalities, David Pomarino, Competency Network Toe Walking C/o Practice Pomarino
Classification: Pathogenic for Tip-toe gait. Last evaluated: 2021-10-21. Review status: criteria provided, single submitter. Criteria: ACMG Guidelines, 2015. Collection method: clinical testing. Allele origin: unknown. Affected: yes.
Comment: Gait disorder

Division of Medical Genetics, University of Washington
Classification: Uncertain significance for Familial cancer of breast. Last evaluated: 2019-06-27. Review status: criteria provided, single submitter. Criteria: ACMG Guidelines, 2015. Collection method: clinical testing. Allele origin: germline. Affected: no. Study: CSER_CHARM.
Comment: The c.6820G>A variant has been reported in individuals with breast cancer (Broeks 2008, Li 2016 ) but did not segregate with disease in two families with breast and ovarian cancer (Thorstenson 2003). The c.6820G>A variant has also been reported in the literature to co-occur with the ATM c.4724G>A variant in individuals with breast cancer, chronic lymphocytic leukemia (CLL) and multiple myeloma (Austen 2008, Tavtigian 2008, and Navrkalova 2012). The individual with CLL also had a somatic ATM Gln984Glu and a somatic 11q chromosomal deletion. The c.6820 variant has a combined allele frequency of 0.00009 in the Broad Institute gnomAD Browser. In silico analyses indicate that this variant is in an evolutionarily conserved residue. Thus, it is unknown whether this variant increases cancer risk.

Ambry Genetics
Classification: Likely benign for Hereditary cancer-predisposing syndrome. Last evaluated: 2018-09-06. Review status: criteria provided, single submitter. Criteria: Ambry Variant Classification Scheme 2023. Collection method: clinical testing. Allele origin: germline.

Mendelics
Classification: Uncertain significance for Ataxia-telangiectasia syndrome. Last evaluated: 2018-07-02. Review status: criteria provided, single submitter. Criteria: Mendelics Assertion Criteria 2017. Collection method: clinical testing. Allele origin: unknown.

Illumina Laboratory Services, Illumina
Classification: Uncertain significance for Ataxia-telangiectasia syndrome. Last evaluated: 2017-04-27. Review status: criteria provided, single submitter. Criteria: ICSL Variant Classification Criteria 13 December 2019. Collection method: clinical testing. Allele origin: germline.
Comment: This variant was observed as part of a predisposition screen in an ostensibly healthy population. A literature search was performed for the gene, cDNA change, and amino acid change (where applicable). Publications were found based on this search. However, the evidence from the literature, in combination with allele frequency data from public databases where available, was not sufficient to rule this variant in or out of causing disease. Therefore, this variant is classified as a variant of unknown significance.

Eurofins Ntd Llc (ga)
Classification: Uncertain significance. Last evaluated: 2017-02-17. Review status: criteria provided, single submitter. Criteria: EGL Classification Definitions 2015. Collection method: clinical testing. Allele origin: germline. Observed: 1 variant allele, 1 heterozygote.

Color Diagnostics, LLC DBA Color Health
Classification: Likely benign for Hereditary cancer-predisposing syndrome. Last evaluated: 2016-07-20. Review status: criteria provided, single submitter. Criteria: ACMG Guidelines, 2015. Collection method: clinical testing. Allele origin: germline.

Literature cited by the submitters: PubMed 12810666 (cited by 4 submitters); PubMed 21933854 (cited by Women's Health and Genetics/Laboratory Corporation of America, LabCorp and Department of Pathology and Laboratory Medicine, Sinai Health System); PubMed 11606401 (cited by 6 submitters); PubMed 18573109 (cited by 6 submitters); PubMed 17393301 (cited by 5 submitters); PubMed 19431188 (cited by 6 submitters); PubMed 19781682 (cited by 6 submitters); PubMed 23585524 (cited by 6 submitters); PubMed 11805335 (cited by 7 submitters); PubMed 26534844 (cited by 3 submitters); PubMed 10023947 (cited by 3 submitters); PubMed 27449771 (cited by 5 submitters); PubMed 27978560 (cited by 4 submitters); PubMed 28652578 (cited by 4 submitters); PubMed 30613976 (cited by Quest Diagnostics Nichols Institute San Juan Capistrano); PubMed 33128190 (cited by Quest Diagnostics Nichols Institute San Juan Capistrano); PubMed 34262154 (cited by Quest Diagnostics Nichols Institute San Juan Capistrano); PubMed 35264596 (cited by Quest Diagnostics Nichols Institute San Juan Capistrano); PubMed 35534704 (cited by Quest Diagnostics Nichols Institute San Juan Capistrano); PubMed 33471991 (cited by Quest Diagnostics Nichols Institute San Juan Capistrano and Department of Pathology and Laboratory Medicine, Sinai Health System); PubMed 28779002 (cited by Quest Diagnostics Nichols Institute San Juan Capistrano and Athena Diagnostics); PubMed 30197789 (cited by Quest Diagnostics Nichols Institute San Juan Capistrano and Athena Diagnostics); PubMed 25085752 (cited by Myriad Genetics, Inc.); PubMed 37091313 (cited by Practice for Gait Abnormalities, David Pomarino, Competency Network Toe Walking C/o Practice Pomarino); PubMed 21787400 (cited by Ambry Genetics); PubMed 22529920 (cited by Ambry Genetics).